The following is an entry in ClinVar:

ClinVar aggregate classification (germline): Uncertain significance (1 of 4 stars; one submission).

Conditions:
Primary ciliary dyskinesia. Also called: Ciliary dyskinesia. Identifiers: Orphanet 244, MedGen C0008780, MONDO:0016575, HP:0012265.

Submission:

Ambry Genetics
Classification: Uncertain significance for Primary ciliary dyskinesia. Last evaluated: 2023-05-27. Review status: criteria provided, single submitter. Criteria: Ambry Variant Classification Scheme 2023. Collection method: clinical testing. Allele origin: germline.
Comment: The p.E629K variant (also known as c.1885G>A), located in coding exon 2 of the DNAAF2 gene, results from a G to A substitution at nucleotide position 1885. The glutamic acid at codon 629 is replaced by lysine, an amino acid with similar properties. This amino acid position is conserved. In addition, this alteration is predicted to be tolerated by in silico analysis. Since supporting evidence is limited at this time, the clinical significance of this alteration remains unclear.

NM_018139.3(DNAAF2):c.1885G>A (p.Glu629Lys)

Gene: DNAAF2 (dynein axonemal assembly factor 2; minus strand). Cytogenetic location: 14q21.3.
Variant type: single nucleotide variant.
Coding change: c.1885G>A on transcript NM_018139.3 (MANE Select); coding-DNA position 1885, G replaced by A.
Protein change: p.Glu629Lys; replaces glutamic acid 629 with lysine.
Molecular consequence: missense variant. On other transcripts: intron variant (2).
Genome position (GRCh38, 1-based): chr14:49,628,134, C>T on the plus strand (G>A on the coding strand, the complement: DNAAF2 is on the minus strand). VCF-style: chr14-49628134-C-T. GRCh37 (hg19) VCF-style: chr14-50094852-C-T.
Other names: c.1864-2086G>A (NM_001083908.2); c.-204-2086G>A (NM_001378453.1); short protein forms E629K.
Identifiers: ClinVar variation 2563339 (VCV002563339.2), dbSNP rs1017925273, ClinGen allele CA260664903.